The following is an entry in ClinVar:

NM_000093.5(COL5A1):c.278-50T>C

Gene: COL5A1 (collagen type V alpha 1 chain; plus strand). Cytogenetic location: 9q34.3.
Variant type: single nucleotide variant.
Coding change: c.278-50T>C on transcript NM_000093.5 (MANE Select); 50 bases into the intron before coding-DNA position 278, T replaced by C.
Molecular consequence: intron variant.
Genome position (GRCh38, 1-based): chr9:134,699,859, T>C. VCF-style: chr9-134699859-T-C. GRCh37 (hg19) VCF-style: chr9-137591705-T-C.
Other names: c.278-50T>C (NM_001278074.1).
Identifiers: ClinVar variation 674318 (VCV000674318.2), dbSNP rs372237723, ClinGen allele CA5318266.

ClinVar aggregate classification (germline): Likely benign. Review status: criteria provided, multiple submitters, no conflicts (2 of 4 stars). 2 submissions from 2 submitters: Likely benign (2). Last evaluated 2018-06-19.

Allele frequency attached by ClinVar (database versions not stated): gnomAD 0.00004 and 0.00070; TOPMed 0.00011; gnomAD exomes 0.00109 and 0.00224; ExAC 0.00253; 1000 Genomes Project 30x 0.00515; 1000 Genomes Project 0.00539.
gnomAD v4.1: 1,679 of 1,571,870 alleles (0.11%); highest among the groups gnomAD compares: South Asian, 1.7%; 25 homozygotes.

Submissions (2):

GeneDx
Classification: Likely benign. Last evaluated: 2018-06-19. Review status: criteria provided, single submitter. Criteria: GeneDx Variant Classification (06012015). Collection method: clinical testing. Allele origin: germline. Affected: yes.
Comment: This variant is considered likely benign or benign based on one or more of the following criteria: it is a conservative change, it occurs at a poorly conserved position in the protein, it is predicted to be benign by multiple in silico algorithms, and/or has population frequency not consistent with disease.

Breakthrough Genomics
Classification: Likely benign. Review status: criteria provided, single submitter. Criteria: ACMG Guidelines, 2015. Collection method: not provided. Allele origin: germline. Inheritance: Autosomal dominant inheritance. Affected: yes.